The following is an entry in ClinVar:

NM_004415.4(DSP):c.9C>T (p.Cys3=)

Genes: DSP-AS1 (DSP antisense RNA 1; minus strand), DSP (desmoplakin; plus strand). Cytogenetic location: 6p24.3.
Variant type: single nucleotide variant.
Coding change: c.9C>T on transcript NM_004415.4 (MANE Select); coding-DNA position 9, C replaced by T.
Protein change: p.Cys3=; no amino-acid change (cysteine 3 retained).
Molecular consequence: synonymous variant.
Genome position (GRCh38, 1-based): chr6:7,541,924, C>T. VCF-style: chr6-7541924-C-T. GRCh37 (hg19) VCF-style: chr6-7542157-C-T.
Other names: c.9C>T (LRG_423t1); c.9C>T, p.Cys3= (NM_001008844.3, NM_001319034.2).
Identifiers: ClinVar variation 357935 (VCV000357935.13), dbSNP rs769032973, ClinGen allele CA053491.

ClinVar aggregate classification (germline): Conflicting classifications of pathogenicity. Review status: criteria provided, conflicting classifications (1 of 4 stars). 6 submissions from 4 submitters: Uncertain significance (3); Likely benign (3). Last evaluated 2025-06-02.

Conditions:
Arrhythmogenic cardiomyopathy with wooly hair and keratoderma. Also called: PALMOPLANTAR KERATODERMA WITH LEFT VENTRICULAR CARDIOMYOPATHY AND WOOLLY HAIR; Carvajal syndrome; Dilated cardiomyopathy with woolly hair and keratoderma; Arrhythmogenic cardiomyopathy with woolly hair and keratoderma. Identifiers: Orphanet 65282, MedGen C1854063, MONDO:0011581, OMIM 605676.
Arrhythmogenic right ventricular dysplasia 8 (ARVD8). Also called: ARRHYTHMOGENIC RIGHT VENTRICULAR DYSPLASIA, FAMILIAL, 8; ARRHYTHMOGENIC RIGHT VENTRICULAR CARDIOMYOPATHY 8; Arrhythmogenic Right Ventricular Dysplasia/Cardiomyopathy 8. Identifiers: MedGen C1843896, MONDO:0011831, OMIM 607450.
Cardiovascular phenotype. Identifiers: MedGen CN230736.
Lethal acantholytic epidermolysis bullosa (EBLA). Identifiers: Orphanet 158687, MedGen C1864826, MONDO:0012323, OMIM 609638.
Woolly hair-skin fragility syndrome (WHSF). Identifiers: Orphanet 293165, MedGen C1843292, MONDO:0957307, OMIM 620415.

Allele frequency attached by ClinVar (database versions not stated): gnomAD exomes below 0.00001; TOPMed below 0.00001; ExAC 0.00001; gnomAD 0.00001.
gnomAD v4.1: 8 of 1,608,726 alleles (0.0005%); highest among the groups gnomAD compares: Non-Finnish European, 0.00051%; no homozygotes.

Submissions (6):

Labcorp Genetics (formerly Invitae), Labcorp
Classification: Likely benign for Arrhythmogenic cardiomyopathy with wooly hair and keratoderma; Arrhythmogenic right ventricular dysplasia 8. Last evaluated: 2025-06-02. Review status: criteria provided, single submitter. Criteria: Invitae Variant Classification Sherloc (09022015). Collection method: clinical testing. Allele origin: germline.

All of Us Research Program, National Institutes of Health
Classification: Likely benign for Arrhythmogenic cardiomyopathy with wooly hair and keratoderma. Last evaluated: 2023-07-22. Review status: criteria provided, single submitter. Criteria: ACMG Guidelines, 2015. Collection method: clinical testing. Allele origin: germline. Inheritance: Autosomal dominant inheritance. Observed: 3 variant alleles, 3 heterozygotes.
Comment: This study involves interpretation of variants in research participants for the purpose of population health screening. Participant phenotype was not available at the time of variant classification. Additional details can be found in publication PMID: 35346344, PMCID: PMC8962531

Illumina Laboratory Services, Illumina
Classification: Uncertain significance for Arrhythmogenic right ventricular dysplasia 8. Last evaluated: 2018-01-12. Review status: criteria provided, single submitter. Criteria: ICSL Variant Classification Criteria 13 December 2019. Collection method: clinical testing. Allele origin: germline.

Illumina Laboratory Services, Illumina
Classification: Uncertain significance for Arrhythmogenic cardiomyopathy with wooly hair and keratoderma. Last evaluated: 2018-01-12. Review status: criteria provided, single submitter. Criteria: ICSL Variant Classification Criteria 13 December 2019. Collection method: clinical testing. Allele origin: germline.

Illumina Laboratory Services, Illumina
Classification: Uncertain significance for Lethal acantholytic epidermolysis bullosa. Last evaluated: 2018-01-12. Review status: criteria provided, single submitter. Criteria: ICSL Variant Classification Criteria 13 December 2019. Collection method: clinical testing. Allele origin: germline.

Ambry Genetics
Classification: Likely benign for Cardiovascular phenotype. Last evaluated: 2016-06-08. Review status: criteria provided, single submitter. Criteria: Ambry Variant Classification Scheme 2023. Collection method: clinical testing. Allele origin: germline.